The following is an entry in ClinVar:

ClinVar aggregate classification (germline): Likely benign. Review status: criteria provided, multiple submitters, no conflicts (2 of 4 stars). 2 submissions from 2 submitters: Likely benign (2). Last evaluated 2026-06-20.

Conditions:
Hereditary cancer-predisposing syndrome. Also called: Hereditary Cancer Syndrome; Neoplastic Syndromes, Hereditary; Tumor predisposition; Hereditary neoplastic syndrome. Identifiers: Orphanet 140162, MedGen C0027672, MeSH D009386, MONDO:0015356.

Submissions (2):

Ambry Genetics
Classification: Likely benign for Hereditary cancer-predisposing syndrome. Last evaluated: 2026-06-20. Review status: criteria provided, single submitter. Criteria: Ambry Variant Classification Scheme 2023. Collection method: clinical testing. Allele origin: germline.

CeGaT Center for Human Genetics Tuebingen
Classification: Likely benign. Last evaluated: 2025-08-01. Review status: criteria provided, single submitter. Criteria: CeGaT Center For Human Genetics Tuebingen Variant Classification Criteria Version 2. Collection method: clinical testing. Allele origin: germline. Affected: yes. Observed: 1 variant allele.
Comment: PRKAR1A: PM2:Supporting, BP4, BP7

NM_002734.5(PRKAR1A):c.1005T>C (p.Arg335=)

Gene: PRKAR1A (protein kinase cAMP-dependent type I regulatory subunit alpha; plus strand). Cytogenetic location: 17q24.2.
Variant type: single nucleotide variant.
Coding change: c.1005T>C on transcript NM_002734.5 (MANE Select); coding-DNA position 1005, T replaced by C.
Protein change: p.Arg335=; no amino-acid change (arginine 335 retained).
Molecular consequence: synonymous variant. On other transcripts: intron variant (1).
Genome position (GRCh38, 1-based): chr17:68,530,308, T>C. VCF-style: chr17-68530308-T-C. GRCh37 (hg19) VCF-style: chr17-66526449-T-C.
Other names: c.1005T>C, p.Arg335= (NM_001276289.2, NM_001278433.2, NM_001369389.1 and 3 more transcripts); c.973+307T>C (NM_001276290.1); c.1005T>C (NM_002734.3).
Identifiers: ClinVar variation 4085782 (VCV004085782.9).
Genomic context (GRCh38, chr17:68,530,308, plus strand): 5'-AGCCTGTTACCCATCTTTGCTTTCTCCAGGTGAAATTGCACTACTGATGAATCGTCCTCG[T>C]GCTGCCACAGTTGTTGCTCGTGGCCCCTTGAAGTGCGTTAAGCTGGACCGACCTAGATTT-3'
Protein context (NP_002725.1, residues 325-345): GEIALLMNRP[Arg335=]AATVVARGPL